The following is an entry in ClinVar:

NM_031433.4(MFRP):c.1718T>G (p.Leu573Arg)

Genes: C1QTNF5 (C1q and TNF related 5; minus strand), MFRP (membrane frizzled-related protein; minus strand). Cytogenetic location: 11q23.3.
Variant type: single nucleotide variant.
Coding change: c.1718T>G on transcript NM_031433.4 (MANE Select); coding-DNA position 1718, T replaced by G.
Protein change: p.Leu573Arg; replaces leucine 573 with arginine.
Molecular consequence: missense variant. On other transcripts: 5 prime UTR variant (1).
Genome position (GRCh38, 1-based): chr11:119,341,570, A>C on the plus strand (T>G on the coding strand, the complement: MFRP is on the minus strand). VCF-style: chr11-119341570-A-C. GRCh37 (hg19) VCF-style: chr11-119212280-A-C.
Other names: c.-919T>G (NM_015645.5); short protein forms L573R.
Identifiers: ClinVar variation 1474194 (VCV001474194.7), dbSNP rs1242730294, ClinGen allele CA382971313.
Genomic context (GRCh38, chr11:119,341,570, plus strand): 5'-GAGGACGGGCAGGAAGAGGGCAGGGGCCGGCTTCAGGGTCAGGGCTGGGCACAAGCTTCC[A>C]GGTCAGCTGCCTCTGGCAGCCTGTTGCAGTTGAAGGGCCAGGGGGTGCCCAGTAGTGCCA-3'
Protein context (NP_113621.1, residues 563-579): NCNRLPEAAD[Leu573Arg]EACAQP

ClinVar aggregate classification (germline): Uncertain significance (1 of 4 stars; one submission).

Conditions:
Isolated microphthalmia 5. Also called: Posterior Microphthalmia with Retinitis Pigmentosa, Foveoschisis, and Optic Disc Drusen. Identifiers: Orphanet 251279, MedGen C1970236, MONDO:0012605, OMIM 611040.

Submission:

Labcorp Genetics (formerly Invitae), Labcorp
Classification: Uncertain significance for Isolated microphthalmia 5. Last evaluated: 2022-01-14. Review status: criteria provided, single submitter. Criteria: Invitae Variant Classification Sherloc (09022015). Collection method: clinical testing. Allele origin: germline.
Comment: This variant has not been reported in the literature in individuals affected with MFRP-related conditions. This variant is not present in population databases (gnomAD no frequency). This sequence change replaces leucine, which is neutral and non-polar, with arginine, which is basic and polar, at codon 573 of the MFRP protein (p.Leu573Arg). Algorithms developed to predict the effect of missense changes on protein structure and function are either unavailable or do not agree on the potential impact of this missense change (SIFT: "Tolerated"; PolyPhen-2: "Probably Damaging"; Align-GVGD: "Class C0"). In summary, the available evidence is currently insufficient to determine the role of this variant in disease. Therefore, it has been classified as a Variant of Uncertain Significance.